The following is an entry in ClinVar:

ClinVar aggregate classification (germline): Conflicting classifications of pathogenicity. Review status: criteria provided, conflicting classifications (1 of 4 stars). 2 submissions from 2 submitters: Uncertain significance (1); Likely benign (1). Last evaluated 2025-12-10.

Conditions:
Hereditary cancer-predisposing syndrome. Also called: Hereditary Cancer Syndrome; Tumor predisposition; Hereditary neoplastic syndrome; Neoplastic Syndromes, Hereditary. Identifiers: Orphanet 140162, MedGen C0027672, MeSH D009386, MONDO:0015356.
Hereditary breast ovarian cancer syndrome. Also called: Hereditary breast and ovarian cancer syndrome (HBOC); Breast and ovarian cancer; Hereditary breast and ovarian cancer syndrome; Hereditary breast and/or ovarian cancer syndrome; Hereditary breast and ovarian cancer; BRCA1- and BRCA2-Associated Hereditary Breast and Ovarian Cancer. Identifiers: Orphanet 145, MedGen C0677776, MeSH D061325, MONDO:0003582. Disease mechanism: loss of function.

Submissions (2):

Labcorp Genetics (formerly Invitae), Labcorp
Classification: Uncertain significance for Hereditary breast ovarian cancer syndrome. Last evaluated: 2025-12-10. Review status: criteria provided, single submitter. Criteria: Invitae Variant Classification Sherloc (09022015). Collection method: clinical testing. Allele origin: germline.
Comment: This sequence change replaces isoleucine, which is neutral and non-polar, with asparagine, which is neutral and polar, at codon 423 of the BRCA2 protein (p.Ile423Asn). This variant is not present in population databases (gnomAD no frequency). This variant has not been reported in the literature in individuals affected with BRCA2-related conditions. ClinVar contains an entry for this variant (Variation ID: 1408175). Invitae Evidence Modeling of protein sequence and biophysical properties (such as structural, functional, and spatial information, amino acid conservation, physicochemical variation, residue mobility, and thermodynamic stability) indicates that this missense variant is not expected to disrupt BRCA2 protein function with a negative predictive value of 95%. In summary, the available evidence is currently insufficient to determine the role of this variant in disease. Therefore, it has been classified as a Variant of Uncertain Significance.

University of Washington Department of Laboratory Medicine, University of Washington
Classification: Likely benign for Hereditary cancer-predisposing syndrome. Last evaluated: 2023-03-23. Review status: criteria provided, single submitter. Criteria: Dines et al. (Genet Med. 2020). Collection method: curation. Allele origin: germline.
Comment: Missense variant in a coldspot region where missense variants are very unlikely to be pathogenic (PMID:31911673).

BRCA2 exon 10 coldspot. Reclassification based on statistical prior probability.

NM_000059.4(BRCA2):c.1268T>A (p.Ile423Asn)

Gene: BRCA2 (BRCA2 DNA repair associated; plus strand). Cytogenetic location: 13q13.1.
Variant type: single nucleotide variant.
Coding change: c.1268T>A on transcript NM_000059.4 (MANE Select); coding-DNA position 1268, T replaced by A.
Protein change: p.Ile423Asn; replaces isoleucine 423 with asparagine.
Molecular consequence: missense variant.
Genome position (GRCh38, 1-based): chr13:32,332,746, T>A. VCF-style: chr13-32332746-T-A. GRCh37 (hg19) VCF-style: chr13-32906883-T-A.
Other names: short protein forms I423N.
Identifiers: ClinVar variation 1408175 (VCV001408175.13), dbSNP rs2137469393, ClinGen allele CA387762363.